The following is an entry in ClinVar:

NM_001130987.2(DYSF):c.287C>T (p.Pro96Leu)

Gene: DYSF (dysferlin; plus strand). Cytogenetic location: 2p13.2.
Variant type: single nucleotide variant.
Coding change: c.287C>T on transcript NM_001130987.2 (MANE Select); coding-DNA position 287, C replaced by T.
Protein change: p.Pro96Leu; replaces proline 96 with leucine.
Molecular consequence: missense variant.
Genome position (GRCh38, 1-based): chr2:71,503,261, C>T. VCF-style: chr2-71503261-C-T. GRCh37 (hg19) VCF-style: chr2-71730391-C-T.
Other names: c.287C>T, p.Pro96Leu (NM_001130455.2, NM_001130982.2, NM_001130983.2 and 3 more transcripts); c.284C>T, p.Pro95Leu (NM_001130976.2, NM_001130977.2, NM_001130978.2 and 4 more transcripts); short protein forms P95L, P96L.
Identifiers: ClinVar variation 1019360 (VCV001019360.6), dbSNP rs774912908, ClinGen allele CA347204367.

ClinVar aggregate classification (germline): Uncertain significance (1 of 4 stars; one submission).

Conditions:
Neuromuscular disease caused by qualitative or quantitative defects of dysferlin. Also called: Dysferlinopathy; Qualitative or quantitative defects of dysferlin. Identifiers: Orphanet 207073, MedGen C2931687, MONDO:0016145.

gnomAD v4.1: 2 of 1,614,118 alleles (0.00012%); highest among the groups gnomAD compares: Non-Finnish European, 0.00017%; no homozygotes.

Submission:

Labcorp Genetics (formerly Invitae), Labcorp
Classification: Uncertain significance for Neuromuscular disease caused by qualitative or quantitative defects of dysferlin. Last evaluated: 2021-09-02. Review status: criteria provided, single submitter. Criteria: Invitae Variant Classification Sherloc (09022015). Collection method: clinical testing. Allele origin: germline.
Comment: This sequence change replaces proline with leucine at codon 95 of the DYSF protein (p.Pro95Leu). The proline residue is moderately conserved and there is a moderate physicochemical difference between proline and leucine. This variant is not present in population databases (ExAC no frequency). This variant has not been reported in the literature in individuals affected with DYSF-related conditions. Algorithms developed to predict the effect of missense changes on protein structure and function are either unavailable or do not agree on the potential impact of this missense change (SIFT: "Deleterious"; PolyPhen-2: "Possibly Damaging"; Align-GVGD: "Class C0"). In summary, the available evidence is currently insufficient to determine the role of this variant in disease. Therefore, it has been classified as a Variant of Uncertain Significance.